The following is an entry in ClinVar:

ClinVar aggregate classification (germline): Uncertain significance (1 of 4 stars; one submission).

Allele frequency attached by ClinVar (database versions not stated): gnomAD exomes below 0.00001.
gnomAD v4.1: 1 of 1,267,024 alleles (0.000079%); highest among the groups gnomAD compares: Admixed American, 0.0041%; no homozygotes.

Submission:

Labcorp Genetics (formerly Invitae), Labcorp
Classification: Uncertain significance. Last evaluated: 2022-04-04. Review status: criteria provided, single submitter. Criteria: Invitae Variant Classification Sherloc (09022015). Collection method: clinical testing. Allele origin: germline.
Comment: This variant has not been reported in the literature in individuals affected with SMARCD2-related conditions. Algorithms developed to predict the effect of missense changes on protein structure and function are either unavailable or do not agree on the potential impact of this missense change (SIFT: "Deleterious"; PolyPhen-2: "Not Available"; Align-GVGD: "Class C0"). In summary, the available evidence is currently insufficient to determine the role of this variant in disease. Therefore, it has been classified as a Variant of Uncertain Significance. The frequency data for this variant in the population databases is considered unreliable, as metrics indicate poor data quality at this position in the gnomAD database. This sequence change replaces proline, which is neutral and non-polar, with threonine, which is neutral and polar, at codon 12 of the SMARCD2 protein (p.Pro12Thr).

NM_001098426.2(SMARCD2):c.34C>A (p.Pro12Thr)

Gene: SMARCD2 (SWI/SNF related BAF chromatin remodeling complex subunit D2; minus strand). Cytogenetic location: 17q23.3.
Variant type: single nucleotide variant.
Coding change: c.34C>A on transcript NM_001098426.2 (MANE Select); coding-DNA position 34, C replaced by A.
Protein change: p.Pro12Thr; replaces proline 12 with threonine.
Molecular consequence: missense variant.
Genome position (GRCh38, 1-based): chr17:63,842,641, G>T on the plus strand (C>A on the coding strand, the complement: SMARCD2 is on the minus strand). VCF-style: chr17-63842641-G-T. GRCh37 (hg19) VCF-style: chr17-61920001-G-T.
Other names: short protein forms P12T.
Identifiers: ClinVar variation 2121586 (VCV002121586.4), dbSNP rs928769045, ClinGen allele CA400602356.